The following is an entry in ClinVar:

ClinVar aggregate classification (germline): Uncertain significance (1 of 4 stars; one submission).

Conditions:
Hereditary cancer-predisposing syndrome. Also called: Neoplastic Syndromes, Hereditary; Tumor predisposition; Hereditary Cancer Syndrome; Hereditary neoplastic syndrome. Identifiers: Orphanet 140162, MedGen C0027672, MeSH D009386, MONDO:0015356.

Submission:

Ambry Genetics
Classification: Uncertain significance for Hereditary cancer-predisposing syndrome. Last evaluated: 2025-11-12. Review status: criteria provided, single submitter. Criteria: Ambry Variant Classification Scheme 2023. Collection method: clinical testing. Allele origin: germline.
Comment: The p.L2289S variant (also known as c.6866T>C), located in coding exon 11 of the BRCA2 gene, results from a T to C substitution at nucleotide position 6866. The leucine at codon 2289 is replaced by serine, an amino acid with dissimilar properties. This amino acid position is highly conserved in available vertebrate species. In addition, this alteration is predicted to be deleterious by in silico analysis. Based on the available evidence, the clinical significance of this variant remains unclear.

NM_000059.4(BRCA2):c.6866T>C (p.Leu2289Ser)

Gene: BRCA2 (BRCA2 DNA repair associated; plus strand). Cytogenetic location: 13q13.1.
Variant type: single nucleotide variant.
Coding change: c.6866T>C on transcript NM_000059.4 (MANE Select); coding-DNA position 6866, T replaced by C.
Protein change: p.Leu2289Ser; replaces leucine 2289 with serine.
Molecular consequence: missense variant. On other transcripts: non-coding transcript variant (1), intron variant (1).
Genome position (GRCh38, 1-based): chr13:32,344,582, T>C. VCF-style: chr13-32344582-T-C. GRCh37 (hg19) VCF-style: chr13-32918719-T-C.
Other names: c.6866T>C, p.Leu2289Ser (NM_001406720.1, NM_001432077.1); c.1934T>C, p.Leu645Ser (NM_001406721.1); c.449T>C, p.Leu150Ser (NM_001406722.1); c.6842-2245T>C (NM_001406719.1); short protein forms L2289S, L645S, L150S.
Identifiers: ClinVar variation 4629078 (VCV004629078.1).